The following is an entry in ClinVar:

NM_001276270.2(MBD4):c.201A>G (p.Glu67=)

Gene: MBD4 (methyl-CpG binding domain 4, DNA glycosylase; minus strand). Cytogenetic location: 3q21.3.
Variant type: single nucleotide variant.
Coding change: c.201A>G on transcript NM_001276270.2 (MANE Select); coding-DNA position 201, A replaced by G.
Protein change: p.Glu67=; no amino-acid change (glutamic acid 67 retained).
Molecular consequence: synonymous variant.
Genome position (GRCh38, 1-based): chr3:129,437,854, T>C on the plus strand (A>G on the coding strand, the complement: MBD4 is on the minus strand). VCF-style: chr3-129437854-T-C. GRCh37 (hg19) VCF-style: chr3-129156697-T-C.
Other names: c.201A>G, p.Glu67= (NM_001276271.2, NM_001276272.2, NM_001276273.2 and 1 more transcripts); c.201A>G (NM_003925.2).
Identifiers: ClinVar variation 3700320 (VCV003700320.5).

ClinVar aggregate classification (germline): Benign/Likely benign. Review status: criteria provided, multiple submitters, no conflicts (2 of 4 stars). 4 submissions from 4 submitters: Benign (1); Likely benign (3). Last evaluated 2026-06-09.

Conditions:
Inborn genetic diseases. Identifiers: MedGen C0950123, MeSH D030342.
MBD4-related disorder. Also called: MBD4-related condition.
Tumor predisposition syndrome 2 (TPDS2). Also called: MBD4-associated neoplasia syndrome (MANS); MBD4-ASSOCIATED NEOPLASIA SYNDROME; MBD4-Related Tumor Predisposition Syndrome. Identifiers: Orphanet 661526, MedGen C5774186, MONDO:0859267, OMIM 619975.

Submissions (4):

Myriad Genetics, Inc.
Classification: Benign for Tumor predisposition syndrome 2. Last evaluated: 2026-06-09. Review status: criteria provided, single submitter. Criteria: Myriad Autosomal Dominant, Autosomal Recessive and X-Linked Classification Criteria (2023). Collection method: clinical testing. Allele origin: unknown.
Comment: This variant is considered benign. This variant is a silent/synonymous amino acid change and it is not expected to impact splicing.

PreventionGenetics, part of Exact Sciences
Classification: Likely benign for MBD4-related condition. Last evaluated: 2026-03-31. Review status: criteria provided, single submitter. Criteria: ACMG Guidelines, 2015. Collection method: clinical testing. Allele origin: germline.
Comment: This variant is classified as likely benign based on ACMG/AMP sequence variant interpretation guidelines (Richards et al. 2015 PMID: 25741868, with internal and published modifications).

Labcorp Genetics (formerly Invitae), Labcorp
Classification: Likely benign. Last evaluated: 2025-04-01. Review status: criteria provided, single submitter. Criteria: Invitae Variant Classification Sherloc (09022015). Collection method: clinical testing. Allele origin: germline.

Ambry Genetics
Classification: Likely benign for Inborn genetic diseases. Last evaluated: 2025-02-03. Review status: criteria provided, single submitter. Criteria: Ambry Variant Classification Scheme 2023. Collection method: clinical testing. Allele origin: germline.